The following is an entry in ClinVar:

ClinVar aggregate classification (germline): Uncertain significance. Review status: criteria provided, multiple submitters, no conflicts (2 of 4 stars). 2 submissions from 2 submitters: Uncertain significance (2). Last evaluated 2025-08-09.

Conditions:
Kabuki syndrome. Also called: Kabuki make-up syndrome; NIIKAWA-KUROKI SYNDROME. Identifiers: Orphanet 2322, MedGen C0796004, MONDO:0016512.

Allele frequency attached by ClinVar (database versions not stated): gnomAD 0.00002.
gnomAD v4.1: 2 of 1,490,610 alleles (0.00013%); highest among the groups gnomAD compares: Non-Finnish European, 0.00018%; no homozygotes.

Submissions (2):

Labcorp Genetics (formerly Invitae), Labcorp
Classification: Uncertain significance for Kabuki syndrome. Last evaluated: 2025-08-09. Review status: criteria provided, single submitter. Criteria: Invitae Variant Classification Sherloc (09022015). Collection method: clinical testing. Allele origin: germline.
Comment: This sequence change replaces serine, which is neutral and polar, with proline, which is neutral and non-polar, at codon 669 of the KMT2D protein (p.Ser669Pro). This variant is not present in population databases (gnomAD no frequency). This variant has not been reported in the literature in individuals affected with KMT2D-related conditions. ClinVar contains an entry for this variant (Variation ID: 2433226). Invitae Evidence Modeling of protein sequence and biophysical properties (such as structural, functional, and spatial information, amino acid conservation, physicochemical variation, residue mobility, and thermodynamic stability) indicates that this missense variant is not expected to disrupt KMT2D protein function with a negative predictive value of 95%. In summary, the available evidence is currently insufficient to determine the role of this variant in disease. Therefore, it has been classified as a Variant of Uncertain Significance.

Revvity Omics, Revvity
Classification: Uncertain significance. Last evaluated: 2022-02-08. Review status: criteria provided, single submitter. Criteria: ACMG Guidelines, 2015. Collection method: clinical testing. Allele origin: germline.

NM_003482.4(KMT2D):c.2005T>C (p.Ser669Pro)

Gene: KMT2D (lysine methyltransferase 2D; minus strand). Cytogenetic location: 12q13.12.
Variant type: single nucleotide variant.
Coding change: c.2005T>C on transcript NM_003482.4 (MANE Select); coding-DNA position 2005, T replaced by C.
Protein change: p.Ser669Pro; replaces serine 669 with proline.
Molecular consequence: missense variant.
Genome position (GRCh38, 1-based): chr12:49,051,678, A>G on the plus strand (T>C on the coding strand, the complement: KMT2D is on the minus strand). VCF-style: chr12-49051678-A-G. GRCh37 (hg19) VCF-style: chr12-49445461-A-G.
Other names: short protein forms S669P.
Identifiers: ClinVar variation 2433226 (VCV002433226.6), dbSNP rs1432009191, ClinGen allele CA384669384.